The following is an entry in ClinVar:

NM_006206.6(PDGFRA):c.2276G>A (p.Arg759Lys)

Gene: PDGFRA (platelet derived growth factor receptor alpha; plus strand). Cytogenetic location: 4q12.
Variant type: single nucleotide variant.
Coding change: c.2276G>A on transcript NM_006206.6 (MANE Select); coding-DNA position 2276, G replaced by A.
Protein change: p.Arg759Lys; replaces arginine 759 with lysine.
Molecular consequence: missense variant.
Genome position (GRCh38, 1-based): chr4:54,280,435, G>A. VCF-style: chr4-54280435-G-A. GRCh37 (hg19) VCF-style: chr4-55146602-G-A.
Other names: c.2276G>A, p.Arg759Lys (NM_001347827.2, NM_001347829.2); c.2351G>A, p.Arg784Lys (NM_001347828.2); c.2315G>A, p.Arg772Lys (NM_001347830.2); short protein forms R759K, R772K, R784K.
Identifiers: ClinVar variation 3305463 (VCV003305463.3).

ClinVar aggregate classification (germline): Uncertain significance. Review status: criteria provided, multiple submitters, no conflicts (2 of 4 stars). 2 submissions from 2 submitters: Uncertain significance (2). Last evaluated 2024-09-27.

Conditions:
Hereditary cancer-predisposing syndrome. Also called: Neoplastic Syndromes, Hereditary; Tumor predisposition; Hereditary Cancer Syndrome; Hereditary neoplastic syndrome. Identifiers: Orphanet 140162, MedGen C0027672, MeSH D009386, MONDO:0015356.
Gastrointestinal stromal tumor. Also called: Gastrointestinal stromal tumor, somatic; Gastrointestinal stroma tumor. Identifiers: Orphanet 44890, MedGen C0238198, MeSH D046152, MONDO:0011719, OMIM 606764, HP:0100723.

Submissions (2):

Labcorp Genetics (formerly Invitae), Labcorp
Classification: Uncertain significance for Gastrointestinal stromal tumor. Last evaluated: 2024-09-27. Review status: criteria provided, single submitter. Criteria: Invitae Variant Classification Sherloc (09022015). Collection method: clinical testing. Allele origin: germline.
Comment: This sequence change replaces arginine, which is basic and polar, with lysine, which is basic and polar, at codon 759 of the PDGFRA protein (p.Arg759Lys). This variant is not present in population databases (gnomAD no frequency). This variant has not been reported in the literature in individuals affected with PDGFRA-related conditions. Invitae Evidence Modeling of protein sequence and biophysical properties (such as structural, functional, and spatial information, amino acid conservation, physicochemical variation, residue mobility, and thermodynamic stability) indicates that this missense variant is not expected to disrupt PDGFRA protein function with a negative predictive value of 80%. In summary, the available evidence is currently insufficient to determine the role of this variant in disease. Therefore, it has been classified as a Variant of Uncertain Significance.

Ambry Genetics
Classification: Uncertain significance for Hereditary cancer-predisposing syndrome. Last evaluated: 2024-03-22. Review status: criteria provided, single submitter. Criteria: Ambry Variant Classification Scheme 2023. Collection method: clinical testing. Allele origin: germline.
Comment: The p.R759K variant (also known as c.2276G>A), located in coding exon 15 of the PDGFRA gene, results from a G to A substitution at nucleotide position 2276. The arginine at codon 759 is replaced by lysine, an amino acid with highly similar properties. This amino acid position is conserved. In addition, the in silico prediction for this alteration is inconclusive. Based on the available evidence, the clinical significance of this alteration remains unclear.